The following is an entry in ClinVar:

NM_002168.4(IDH2):c.207+9C>T

Gene: IDH2 (isocitrate dehydrogenase (NADP(+)) 2; minus strand). Cytogenetic location: 15q26.1.
Variant type: single nucleotide variant.
Coding change: c.207+9C>T on transcript NM_002168.4 (MANE Select); 9 bases into the intron after coding-DNA position 207, C replaced by T.
Molecular consequence: intron variant.
Genome position (GRCh38, 1-based): chr15:90,091,544, G>A on the plus strand (C>T on the coding strand, the complement: IDH2 is on the minus strand). VCF-style: chr15-90091544-G-A. GRCh37 (hg19) VCF-style: chr15-90634776-G-A.
Other names: c.-17-2797C>T (NM_001290114.2); c.51+9C>T (NM_001289910.1).
Identifiers: ClinVar variation 729498 (VCV000729498.9), dbSNP rs753374663, ClinGen allele CA7733256.
Genomic context (GRCh38, chr15:90,091,544, plus strand): 5'-ACCCTGTGGGACAGAACAATCCCTGGCCAGCCCACCTGGAGAGCCACCCACTTCAGGAGG[G>A]GGCACTACCTTCTCCTTGATGAACTGCCAGATAATACGGGTCATCTCATCACCATCCATC-3'

ClinVar aggregate classification (germline): Likely benign. Review status: criteria provided, multiple submitters, no conflicts (2 of 4 stars). 2 submissions from 2 submitters: Likely benign (2). Last evaluated 2026-07-01.

Conditions:
D-2-hydroxyglutaric aciduria 2 (D2HGA2). Identifiers: Orphanet 79315, MedGen C3150909, MONDO:0013345, OMIM 613657.

Allele frequency attached by ClinVar (database versions not stated): ExAC 0.00002; gnomAD 0.00003 and 0.00004; TOPMed 0.00003; gnomAD exomes 0.00004 and 0.00009.

Submissions (2):

CeGaT Center for Human Genetics Tuebingen
Classification: Likely benign. Last evaluated: 2026-07-01. Review status: criteria provided, single submitter. Criteria: CeGaT Center For Human Genetics Tuebingen Variant Classification Criteria Version 2. Collection method: clinical testing. Allele origin: germline. Affected: yes. Observed: 1 variant allele.
Comment: IDH2: BP4, BP7

Labcorp Genetics (formerly Invitae), Labcorp
Classification: Likely benign for D-2-hydroxyglutaric aciduria 2. Last evaluated: 2024-01-08. Review status: criteria provided, single submitter. Criteria: Invitae Variant Classification Sherloc (09022015). Collection method: clinical testing. Allele origin: germline.